The following is an entry in ClinVar:

NM_001035.3(RYR2):c.14481C>T (p.Ile4827=)

Gene: RYR2 (ryanodine receptor 2; plus strand). Cytogenetic location: 1q43.
Variant type: single nucleotide variant.
Coding change: c.14481C>T on transcript NM_001035.3 (MANE Select); coding-DNA position 14481, C replaced by T.
Protein change: p.Ile4827=; no amino-acid change (isoleucine 4827 retained).
Molecular consequence: synonymous variant.
Genome position (GRCh38, 1-based): chr1:237,819,083, C>T. VCF-style: chr1-237819083-C-T. GRCh37 (hg19) VCF-style: chr1-237982383-C-T.
Other names: p.Ile4827=.
Identifiers: ClinVar variation 43746 (VCV000043746.44), dbSNP rs114303476, ClinGen allele CA008279.

ClinVar aggregate classification (germline): Benign/Likely benign. Review status: criteria provided, multiple submitters, no conflicts (2 of 4 stars). 15 submissions from 14 submitters: Benign (10); Likely benign (4). 1 of the submissions does not count toward it. Last evaluated 2026-02-03.

Conditions:
RYR2-related disorder. Also called: RYR2-related condition.
Cardiovascular phenotype. Identifiers: MedGen CN230736.
Cardiomyopathy (CMYO). Also called: Cardiomyopathies. Identifiers: Orphanet 167848, MedGen C0878544, MONDO:0004994, HP:0001638. Inheritance: Various modes of inheritance.
Catecholaminergic polymorphic ventricular tachycardia 1. Also called: VENTRICULAR TACHYCARDIA, CATECHOLAMINERGIC POLYMORPHIC, 1, WITH OR WITHOUT ATRIAL DYSFUNCTION AND/OR DILATED CARDIOMYOPATHY; VENTRICULAR TACHYCARDIA, STRESS-INDUCED POLYMORPHIC 1; RYR2-Related Catecholaminergic Polymorphic Ventricular Tachycardia. Identifiers: Orphanet 3286, MedGen C1631597, MONDO:0011484, OMIM 604772.
Arrhythmogenic right ventricular dysplasia 2. Identifiers: MedGen C1832931.
Catecholaminergic polymorphic ventricular tachycardia (CVPT). Also called: Catecholamine-induced polymorphic ventricular tachycardia. Identifiers: Orphanet 3286, MedGen C5574922, MONDO:0017990.

Allele frequency attached by ClinVar (database versions not stated): 1000 Genomes Project 0.00978; TOPMed 0.01011; ESP Exome Variant Server 0.01038; 1000 Genomes Project 30x 0.01156.
gnomAD v4.1: 2,663 of 1,613,704 alleles (0.17%); highest among the groups gnomAD compares: African/African-American, 3%; 30 homozygotes.

Submissions (15):

Labcorp Genetics (formerly Invitae), Labcorp
Classification: Benign for Catecholaminergic polymorphic ventricular tachycardia 1. Last evaluated: 2026-02-03. Review status: criteria provided, single submitter. Criteria: Invitae Variant Classification Sherloc (09022015). Collection method: clinical testing. Allele origin: germline.

ARUP Laboratories, Molecular Genetics and Genomics, ARUP Laboratories
Classification: Benign. Last evaluated: 2025-05-15. Review status: criteria provided, single submitter. Criteria: ARUP Molecular Germline Variant Investigation Process 2024. Collection method: clinical testing. Allele origin: germline.

Blueprint Genetics
Classification: Likely benign. Last evaluated: 2024-10-31. Review status: criteria provided, single submitter. Criteria: ACMG Guidelines, 2015. Collection method: clinical testing. Allele origin: germline.

All of Us Research Program, National Institutes of Health
Classification: Benign for Catecholaminergic polymorphic ventricular tachycardia. Last evaluated: 2024-02-05. Review status: criteria provided, single submitter. Criteria: ACMG Guidelines, 2015. Collection method: clinical testing. Allele origin: germline. Inheritance: Autosomal dominant inheritance. Observed: 568 variant alleles, 554 heterozygotes, 14 homozygotes.
Comment: This study involves interpretation of variants in research participants for the purpose of population health screening. Participant phenotype was not available at the time of variant classification. Additional details can be found in publication PMID: 35346344, PMCID: PMC8962531

Molecular Diagnostic Laboratory for Inherited Cardiovascular Disease, Montreal Heart Institute
Classification: Benign. Last evaluated: 2020-05-28. Review status: criteria provided, single submitter. Criteria: ACMG Guidelines, 2015. Collection method: clinical testing. Allele origin: germline. Affected: yes.

Illumina Laboratory Services, Illumina
Classification: Likely benign for Catecholaminergic polymorphic ventricular tachycardia 1. Last evaluated: 2018-10-17. Review status: criteria provided, single submitter. Criteria: ICSL Variant Classification Criteria 13 December 2019. Collection method: clinical testing. Allele origin: germline.
Comment: This variant was observed as part of a predisposition screen in an ostensibly healthy population. A literature search was performed for the gene, cDNA change, and amino acid change (where applicable). No publications were found based on this search. Allele frequency data from public databases allowed determination this variant is unlikely to cause disease. Therefore, this variant is classified as likely benign.

Illumina Laboratory Services, Illumina
Classification: Likely benign for Catecholaminergic polymorphic ventricular tachycardia 1. Last evaluated: 2018-10-17. Review status: criteria provided, single submitter. Criteria: ICSL Variant Classification Criteria 13 December 2019. Collection method: clinical testing. Allele origin: germline.
Comment: the same text as in the submission from Illumina Laboratory Services, Illumina above.

Color Diagnostics, LLC DBA Color Health
Classification: Benign for Cardiomyopathy. Last evaluated: 2018-03-15. Review status: criteria provided, single submitter. Criteria: ACMG Guidelines, 2015. Collection method: clinical testing. Allele origin: germline.

Mayo Clinic Laboratories, Mayo Clinic
Classification: Benign. Last evaluated: 2016-08-29. Review status: criteria provided, single submitter. Criteria: ACMG Guidelines, 2015. Collection method: clinical testing. Allele origin: germline. Observed: 14 variant alleles.

CHEO Genetics Diagnostic Laboratory, Children's Hospital of Eastern Ontario
Classification: Benign for Cardiomyopathy. Last evaluated: 2016-04-05. Review status: criteria provided, single submitter. Criteria: ACMG Guidelines, 2015. Collection method: clinical testing. Allele origin: germline. Study: Canadian Open Genetics Repository.

Ambry Genetics
Classification: Benign for Cardiovascular phenotype. Last evaluated: 2015-09-18. Review status: criteria provided, single submitter. Criteria: Ambry Variant Classification Scheme 2023. Collection method: clinical testing. Allele origin: germline.

GeneDx
Classification: Benign. Last evaluated: 2015-03-03. Review status: criteria provided, single submitter. Criteria: GeneDx Variant Classification Process June 2021. Collection method: clinical testing. Allele origin: germline. Affected: yes.

Laboratory for Molecular Medicine, Mass General Brigham Personalized Medicine
Classification: Benign. Last evaluated: 2012-02-08. Review status: criteria provided, single submitter. Criteria: LMM Criteria. Collection method: clinical testing. Allele origin: germline. Observed: 17 variant alleles.
Comment: Classified as bening based on high frequency (0.03; 101/3186 AA chromosomes, NHL BI ESP)

Breakthrough Genomics
Classification: Likely benign. Review status: criteria provided, single submitter. Criteria: ACMG Guidelines, 2015. Collection method: not provided. Allele origin: germline. Inheritance: Autosomal dominant inheritance. Affected: yes.

PreventionGenetics, part of Exact Sciences
Classification: Benign for RYR2-related condition. Last evaluated: 2019-09-18. Review status: no assertion criteria provided. Collection method: clinical testing. Allele origin: germline. Not counted in ClinVar's aggregate classification.
Comment: This variant is classified as benign based on ACMG/AMP sequence variant interpretation guidelines (Richards et al. 2015 PMID: 25741868, with internal and published modifications).